The following is an entry in ClinVar:

NM_018706.7(DHTKD1):c.1711T>C (p.Trp571Arg)

Gene: DHTKD1 (dehydrogenase E1 and transketolase domain containing 1; plus strand). Cytogenetic location: 10p14.
Variant type: single nucleotide variant.
Coding change: c.1711T>C on transcript NM_018706.7 (MANE Select); coding-DNA position 1711, T replaced by C.
Protein change: p.Trp571Arg; replaces tryptophan 571 with arginine.
Molecular consequence: missense variant.
Genome position (GRCh38, 1-based): chr10:12,100,217, T>C. VCF-style: chr10-12100217-T-C. GRCh37 (hg19) VCF-style: chr10-12142216-T-C.
Other names: c.1711T>C (NM_018706.5); short protein forms W571R.
Identifiers: ClinVar variation 2715672 (VCV002715672.5), dbSNP rs766464907, ClinGen allele CA5407936.

ClinVar aggregate classification (germline): Uncertain significance. Review status: criteria provided, multiple submitters, no conflicts (2 of 4 stars). 3 submissions from 3 submitters: Uncertain significance (3). Last evaluated 2025-09-05.

Conditions:
2-aminoadipic 2-oxoadipic aciduria (AAKAD). Also called: ALPHA-AMINOADIPIC AND ALPHA-KETOADIPIC ACIDURIA; Aminoadipic aciduria. Identifiers: Orphanet 79154, MedGen C1859817, MONDO:0008774, OMIM 204750.
Inborn genetic diseases. Identifiers: MedGen C0950123, MeSH D030342.

gnomAD v4.1: 48 of 1,597,526 alleles (0.003%); highest among the groups gnomAD compares: Non-Finnish European, 0.004%; no homozygotes.

Submissions (3):

Ambry Genetics
Classification: Uncertain significance for Inborn genetic diseases. Last evaluated: 2025-09-05. Review status: criteria provided, single submitter. Criteria: Ambry Variant Classification Scheme 2023. Collection method: clinical testing. Allele origin: germline.

Blueprint Genetics
Classification: Uncertain significance. Last evaluated: 2023-09-19. Review status: criteria provided, single submitter. Criteria: ACMG Guidelines, 2015. Collection method: clinical testing. Allele origin: germline.

Labcorp Genetics (formerly Invitae), Labcorp
Classification: Uncertain significance for 2-aminoadipic 2-oxoadipic aciduria. Last evaluated: 2023-05-12. Review status: criteria provided, single submitter. Criteria: Invitae Variant Classification Sherloc (09022015). Collection method: clinical testing. Allele origin: germline.
Comment: This sequence change replaces tryptophan, which is neutral and slightly polar, with arginine, which is basic and polar, at codon 571 of the DHTKD1 protein (p.Trp571Arg). In summary, the available evidence is currently insufficient to determine the role of this variant in disease. Therefore, it has been classified as a Variant of Uncertain Significance. Advanced modeling of protein sequence and biophysical properties (such as structural, functional, and spatial information, amino acid conservation, physicochemical variation, residue mobility, and thermodynamic stability) performed at Invitae indicates that this missense variant is expected to disrupt DHTKD1 protein function. This variant has not been reported in the literature in individuals affected with DHTKD1-related conditions. This variant is present in population databases (rs766464907, gnomAD 0.002%).